The following is an entry in ClinVar:

ClinVar aggregate classification (germline): Pathogenic (1 of 4 stars; one submission).

Submission:

Labcorp Genetics (formerly Invitae), Labcorp
Classification: Pathogenic. Last evaluated: 2024-04-17. Review status: criteria provided, single submitter. Criteria: Invitae Variant Classification Sherloc (09022015). Collection method: clinical testing. Allele origin: germline.
Comment: This sequence change creates a premature translational stop signal (p.Pro240Hisfs*2) in the EIF2B1 gene. While this is not anticipated to result in nonsense mediated decay, it is expected to disrupt the last 66 amino acid(s) of the EIF2B1 protein. This variant is not present in population databases (gnomAD no frequency). This variant has not been reported in the literature in individuals affected with EIF2B1-related conditions. ClinVar contains an entry for this variant (Variation ID: 1461865). Algorithms developed to predict the effect of sequence changes on RNA splicing suggest that this variant may disrupt the consensus splice site. This variant disrupts a region of the EIF2B1 protein in which other variant(s) (p.Try275Cys) have been determined to be pathogenic (PMID: 18263758, 32865661, 33334879). This suggests that this is a clinically significant region of the protein, and that variants that disrupt it are likely to be disease-causing. For these reasons, this variant has been classified as Pathogenic.

Literature cited by the submitters: PubMed 18263758; PubMed 32865661; PubMed 33334879.

NM_001414.4(EIF2B1):c.719del (p.Pro240fs)

Gene: EIF2B1 (eukaryotic translation initiation factor 2B subunit alpha; minus strand). Cytogenetic location: 12q24.31.
Variant type: Deletion.
Coding change: c.719del on transcript NM_001414.4 (MANE Select); coding-DNA position 719, one base deleted (C; older notation c.719delC).
Protein change: p.Pro240fs; shifts the reading frame from proline 240.
Molecular consequence: frameshift variant.
Genome position (GRCh38, 1-based): chr12:123,622,670, G deleted on the plus strand (C on the coding strand, the reverse complement: EIF2B1 is on the minus strand); the first of 2 consecutive G bases (chr12:123,622,670-123,622,671); deleting either gives the same sequence. VCF-style (leftmost placement, unchanged base first): chr12-123622669-TG-T. GRCh37 (hg19) VCF-style: chr12-124107216-TG-T.
Other names: short protein forms P240fs.
Identifiers: ClinVar variation 1461865 (VCV001461865.8), dbSNP rs2135759698, ClinGen allele CA2573148054.